The following is an entry in ClinVar:

ClinVar aggregate classification (germline): Pathogenic (1 of 4 stars; one submission).

Conditions:
Ehlers-Danlos syndrome, dermatosparaxis type. Also called: EDS VIIC; Dermatosparaxis; Ehlers-Danlos syndrome, type VII, autosomal recessive. Identifiers: Orphanet 1901, MedGen C2700425, MONDO:0009161, OMIM 225410.

Submission:

Myriad Genetics, Inc.
Classification: Pathogenic for Ehlers-Danlos syndrome, dermatosparaxis type. Last evaluated: 2024-05-14. Review status: criteria provided, single submitter. Criteria: Myriad Autosomal Dominant, Autosomal Recessive and X-Linked Classification Criteria (2023). Collection method: clinical testing. Allele origin: unknown.
Comment: NM_014244.4(ADAMTS2):c.82_83ins19(L28Qfs*44) is expected to be pathogenic in the context of Ehlers-Danlos syndrome, ADAMTS2-related. This variant is predicted to lead to an abnormal or absent protein product due to the creation of a premature termination codon in ADAMTS2, a gene where loss-of-function variants are known to be pathogenic. Please note: this variant was assessed in the context of healthy population screening.

NM_014244.5(ADAMTS2):c.82_83insAGATGTGTATAAGAGACAG (p.Leu28fs)

Gene: ADAMTS2 (ADAM metallopeptidase with thrombospondin type 1 motif 2; minus strand). Cytogenetic location: 5q35.3.
Variant type: Insertion.
Coding change: c.82_83insAGATGTGTATAAGAGACAG on transcript NM_014244.5 (MANE Select); coding-DNA positions 82 to 83, AGATGTGTATAAGAGACAG inserted.
Protein change: p.Leu28fs; shifts the reading frame from leucine 28.
Molecular consequence: frameshift variant.
Genome position: GRCh38 VCF-style: chr5-179345246-A-ACTGTCTCTTATACACATCT. GRCh37 (hg19) VCF-style: chr5-178772247-A-ACTGTCTCTTATACACATCT.
Other names: c.82_83insAGATGTGTATAAGAGACAG, p.Leu28fs (NM_021599.4); short protein forms L28fs.
Identifiers: ClinVar variation 5010535 (VCV005010535.1).